The following is an entry in ClinVar:

NM_000426.4(LAMA2):c.6909G>A (p.Met2303Ile)

Gene: LAMA2 (laminin subunit alpha 2; plus strand). Cytogenetic location: 6q22.33.
Variant type: single nucleotide variant.
Coding change: c.6909G>A on transcript NM_000426.4 (MANE Select); coding-DNA position 6909, G replaced by A.
Protein change: p.Met2303Ile; replaces methionine 2303 with isoleucine.
Molecular consequence: missense variant.
Genome position (GRCh38, 1-based): chr6:129,460,241, G>A. VCF-style: chr6-129460241-G-A. GRCh37 (hg19) VCF-style: chr6-129781386-G-A.
Other names: c.6909G>A, p.Met2303Ile (NM_001079823.2); short protein forms M2303I.
Identifiers: ClinVar variation 1444372 (VCV001444372.5), dbSNP rs2114801260, ClinGen allele CA365619161.

ClinVar aggregate classification (germline): Uncertain significance (1 of 4 stars; one submission).

Conditions:
LAMA2-related muscular dystrophy (LAMA2-RD). Also called: Laminin alpha 2-related dystrophy. Identifiers: MedGen C5679788, MONDO:0100228.

Allele frequency attached by ClinVar (database versions not stated): gnomAD exomes 0.00002.
gnomAD v4.1: 13 of 1,611,774 alleles (0.00081%); highest among the groups gnomAD compares: Non-Finnish European, 0.0011%; no homozygotes.

Submission:

Labcorp Genetics (formerly Invitae), Labcorp
Classification: Uncertain significance for LAMA2-related muscular dystrophy. Last evaluated: 2021-08-28. Review status: criteria provided, single submitter. Criteria: Invitae Variant Classification Sherloc (09022015). Collection method: clinical testing. Allele origin: germline.
Comment: This sequence change replaces methionine with isoleucine at codon 2303 of the LAMA2 protein (p.Met2303Ile). The methionine residue is moderately conserved and there is a small physicochemical difference between methionine and isoleucine. This variant is not present in population databases (ExAC no frequency). This variant has not been reported in the literature in individuals affected with LAMA2-related conditions. Algorithms developed to predict the effect of missense changes on protein structure and function are either unavailable or do not agree on the potential impact of this missense change (SIFT: "Tolerated"; PolyPhen-2: "Probably Damaging"; Align-GVGD: "Class C0"). Algorithms developed to predict the effect of sequence changes on RNA splicing suggest that this variant may create or strengthen a splice site. In summary, the available evidence is currently insufficient to determine the role of this variant in disease. Therefore, it has been classified as a Variant of Uncertain Significance.